The following is an entry in ClinVar:

ClinVar aggregate classification (germline): Uncertain significance. Review status: criteria provided, multiple submitters, no conflicts (2 of 4 stars). 5 submissions from 5 submitters: Uncertain significance (5). Last evaluated 2025-12-16.

Conditions:
Cardiovascular phenotype. Identifiers: MedGen CN230736.

Allele frequency attached by ClinVar (database versions not stated): gnomAD 0.00007 and 0.00009; gnomAD exomes 0.00009; ExAC 0.00012; TOPMed 0.00012; 1000 Genomes Project 0.00040; 1000 Genomes Project 30x 0.00062.
gnomAD v4.1: 92 of 1,612,244 alleles (0.0057%); highest among the groups gnomAD compares: Middle Eastern, 0.067%; no homozygotes.

Submissions (5):

Labcorp Genetics (formerly Invitae), Labcorp
Classification: Uncertain significance. Last evaluated: 2025-12-16. Review status: criteria provided, single submitter. Criteria: Invitae Variant Classification Sherloc (09022015). Collection method: clinical testing. Allele origin: germline.
Comment: This sequence change replaces arginine, which is basic and polar, with tryptophan, which is neutral and slightly polar, at codon 196 of the ABCG8 protein (p.Arg196Trp). This variant is present in population databases (rs200433692, gnomAD 0.01%). This variant has not been reported in the literature in individuals affected with ABCG8-related conditions. ClinVar contains an entry for this variant (Variation ID: 1392054). Invitae Evidence Modeling of protein sequence and biophysical properties (such as structural, functional, and spatial information, amino acid conservation, physicochemical variation, residue mobility, and thermodynamic stability) indicates that this missense variant is expected to disrupt ABCG8 protein function with a positive predictive value of 80%. In summary, the available evidence is currently insufficient to determine the role of this variant in disease. Therefore, it has been classified as a Variant of Uncertain Significance.

Mayo Clinic Laboratories, Mayo Clinic
Classification: Uncertain significance. Last evaluated: 2025-03-27. Review status: criteria provided, single submitter. Criteria: ACMG Guidelines, 2015. Collection method: clinical testing. Allele origin: germline. Observed: 1 variant allele.
Comment: PM1_supporting

Ambry Genetics
Classification: Uncertain significance for Cardiovascular phenotype. Last evaluated: 2025-01-31. Review status: criteria provided, single submitter. Criteria: Ambry Variant Classification Scheme 2023. Collection method: clinical testing. Allele origin: germline.
Comment: The p.R196W variant (also known as c.586C>T), located in coding exon 5 of the ABCG8 gene, results from a C to T substitution at nucleotide position 586. The arginine at codon 196 is replaced by tryptophan, an amino acid with dissimilar properties. This amino acid position is highly conserved in available vertebrate species. In addition, the in silico prediction for this alteration is inconclusive. Since supporting evidence is limited at this time, the clinical significance of this alteration remains unclear.

Women's Health and Genetics/Laboratory Corporation of America, LabCorp
Classification: Uncertain significance. Last evaluated: 2023-09-04. Review status: criteria provided, single submitter. Criteria: LabCorp Variant Classification Summary - May 2015. Collection method: clinical testing. Allele origin: germline.

Blueprint Genetics
Classification: Uncertain significance. Last evaluated: 2023-08-14. Review status: criteria provided, single submitter. Criteria: ACMG Guidelines, 2015. Collection method: clinical testing. Allele origin: germline.

NM_022437.3(ABCG8):c.586C>T (p.Arg196Trp)

Gene: ABCG8 (ATP binding cassette subfamily G member 8; plus strand). Cytogenetic location: 2p21.
Variant type: single nucleotide variant.
Coding change: c.586C>T on transcript NM_022437.3 (MANE Select); coding-DNA position 586, C replaced by T.
Protein change: p.Arg196Trp; replaces arginine 196 with tryptophan.
Molecular consequence: missense variant.
Genome position (GRCh38, 1-based): chr2:43,852,378, C>T. VCF-style: chr2-43852378-C-T. GRCh37 (hg19) VCF-style: chr2-44079517-C-T.
Other names: p.Arg196Trp; c.586C>T, p.Arg196Trp (NM_001357321.2); short protein forms R196W.
Identifiers: ClinVar variation 1392054 (VCV001392054.12), dbSNP rs200433692, ClinGen allele CA1637080.